The following is an entry in ClinVar:

NM_000152.5(GAA):c.809G>A (p.Ser270Asn)

Gene: GAA (alpha glucosidase; plus strand). Cytogenetic location: 17q25.3.
Variant type: single nucleotide variant.
Coding change: c.809G>A on transcript NM_000152.5 (MANE Select); coding-DNA position 809, G replaced by A.
Protein change: p.Ser270Asn; replaces serine 270 with asparagine.
Molecular consequence: missense variant.
Genome position (GRCh38, 1-based): chr17:80,107,673, G>A. VCF-style: chr17-80107673-G-A. GRCh37 (hg19) VCF-style: chr17-78081472-G-A.
Other names: c.809G>A, p.Ser270Asn (NM_001079803.3, NM_001079804.3); short protein forms S270N.
Identifiers: ClinVar variation 1520187 (VCV001520187.5), dbSNP rs1429834723, ClinGen allele CA401363525.

ClinVar aggregate classification (germline): Uncertain significance (1 of 4 stars; one submission).

Conditions:
Glycogen storage disease, type II (IOPD). Also called: Glucosidase acid-1,4-alpha deficiency; CARDIOMEGALIA GLYCOGENICA DIFFUSA; GLYCOGENOSIS, GENERALIZED, CARDIAC FORM; GSD II; Glycogen storage disease type 2; Acid maltase deficiency disease. Identifiers: Orphanet 365, MedGen C0017921, MONDO:0009290, OMIM 232300.

Allele frequency attached by ClinVar (database versions not stated): gnomAD exomes below 0.00001.
gnomAD v4.1: 1 of 1,613,012 alleles (0.000062%); highest among the groups gnomAD compares: Non-Finnish European, 0.000085%; no homozygotes.

Submission:

Labcorp Genetics (formerly Invitae), Labcorp
Classification: Uncertain significance for Glycogen storage disease, type II. Last evaluated: 2021-08-31. Review status: criteria provided, single submitter. Criteria: Invitae Variant Classification Sherloc (09022015). Collection method: clinical testing. Allele origin: germline.
Comment: This sequence change replaces serine with asparagine at codon 270 of the GAA protein (p.Ser270Asn). The serine residue is highly conserved and there is a small physicochemical difference between serine and asparagine. This variant is not present in population databases (ExAC no frequency). This variant has not been reported in the literature in individuals affected with GAA-related conditions. Advanced modeling of protein sequence and biophysical properties (such as structural, functional, and spatial information, amino acid conservation, physicochemical variation, residue mobility, and thermodynamic stability) performed at Invitae indicates that this missense variant is not expected to disrupt GAA protein function. In summary, the available evidence is currently insufficient to determine the role of this variant in disease. Therefore, it has been classified as a Variant of Uncertain Significance.